The following is an entry in ClinVar:

NM_000276.4(OCRL):c.2065C>T (p.Arg689Cys)

Gene: OCRL (OCRL inositol polyphosphate-5-phosphatase; plus strand). Cytogenetic location: Xq26.1.
Variant type: single nucleotide variant.
Coding change: c.2065C>T on transcript NM_000276.4 (MANE Select); coding-DNA position 2065, C replaced by T.
Protein change: p.Arg689Cys; replaces arginine 689 with cysteine.
Molecular consequence: missense variant.
Genome position (GRCh38, 1-based): chrX:129,576,502, C>T. VCF-style: chrX-129576502-C-T. GRCh37 (hg19) VCF-style: chrX-128710479-C-T.
Other names: c.2068C>T, p.Arg690Cys (NM_001318784.2); c.2065C>T, p.Arg689Cys (NM_001587.4); short protein forms R689C, R690C.
Identifiers: ClinVar variation 1306471 (VCV001306471.2), dbSNP rs1169836029, ClinGen allele CA414622287.

ClinVar aggregate classification (germline): Uncertain significance (1 of 4 stars; one submission).

Allele frequency attached by ClinVar (database versions not stated): gnomAD exomes below 0.00001 and 0.00001; gnomAD 0.00001; TOPMed 0.00001.
gnomAD v4.1: 6 of 1,209,610 alleles (0.0005%); highest among the groups gnomAD compares: South Asian, 0.0035%; no homozygotes.

Submission:

GeneDx
Classification: Uncertain significance. Last evaluated: 2019-03-11. Review status: criteria provided, single submitter. Criteria: GeneDx Variant Classification Process June 2021. Collection method: clinical testing. Allele origin: germline. Affected: yes.
Comment: Has not been previously published as pathogenic or benign to our knowledge; In silico analysis, which includes protein predictors and evolutionary conservation, supports a deleterious effect